The following is an entry in ClinVar:

ClinVar aggregate classification (germline): Uncertain significance. Review status: criteria provided, multiple submitters, no conflicts (2 of 4 stars). 3 submissions from 3 submitters: Uncertain significance (3). Last evaluated 2025-12-10.

Conditions:
Familial adenomatous polyposis 1 (FAP1). Also called: POLYPOSIS, ADENOMATOUS INTESTINAL; FAMILIAL ADENOMATOUS POLYPOSIS 1, ATTENUATED. Identifiers: MedGen C2713442, MONDO:0021056, OMIM 175100. Disease mechanism: loss of function.
Hereditary cancer-predisposing syndrome. Also called: Hereditary neoplastic syndrome; Neoplastic Syndromes, Hereditary; Tumor predisposition; Hereditary Cancer Syndrome. Identifiers: Orphanet 140162, MedGen C0027672, MeSH D009386, MONDO:0015356.

Allele frequency attached by ClinVar (database versions not stated): gnomAD exomes below 0.00001.
gnomAD v4.1: 1 of 1,614,146 alleles (0.000062%); highest among the groups gnomAD compares: African/African-American, 0.0013%; no homozygotes.

Submissions (3):

Labcorp Genetics (formerly Invitae), Labcorp
Classification: Uncertain significance for Familial adenomatous polyposis 1. Last evaluated: 2025-12-10. Review status: criteria provided, single submitter. Criteria: Invitae Variant Classification Sherloc (09022015). Collection method: clinical testing. Allele origin: germline.
Comment: This sequence change replaces isoleucine, which is neutral and non-polar, with valine, which is neutral and non-polar, at codon 1187 of the APC protein (p.Ile1187Val). This variant is not present in population databases (gnomAD no frequency). This variant has not been reported in the literature in individuals affected with APC-related conditions. ClinVar contains an entry for this variant (Variation ID: 469925). Invitae Evidence Modeling of protein sequence and biophysical properties (such as structural, functional, and spatial information, amino acid conservation, physicochemical variation, residue mobility, and thermodynamic stability) indicates that this missense variant is not expected to disrupt APC protein function with a negative predictive value of 95%. In summary, the available evidence is currently insufficient to determine the role of this variant in disease. Therefore, it has been classified as a Variant of Uncertain Significance.

Ambry Genetics
Classification: Uncertain significance for Hereditary cancer-predisposing syndrome. Last evaluated: 2025-11-24. Review status: criteria provided, single submitter. Criteria: Ambry Variant Classification Scheme 2023. Collection method: clinical testing. Allele origin: germline.
Comment: The p.I1187V variant (also known as c.3559A>G), located in coding exon 15 of the APC gene, results from an A to G substitution at nucleotide position 3559. The isoleucine at codon 1187 is replaced by valine, an amino acid with highly similar properties. This amino acid position is not well conserved in available vertebrate species. In addition, in silico predictors for this gene do not accurately predict pathogenicity. Missense variants in APC are not a common cause of disease (Spier I et al. Genet Med. 2024 Feb;26(2):100992). Based on the available evidence, the clinical significance of this variant remains unclear.

Color Diagnostics, LLC DBA Color Health
Classification: Uncertain significance for Hereditary cancer-predisposing syndrome. Last evaluated: 2025-07-18. Review status: criteria provided, single submitter. Criteria: ACMG Guidelines, 2015. Collection method: clinical testing. Allele origin: germline.
Comment: This missense variant replaces isoleucine with valine at codon 1187 of the APC protein. Computational prediction suggests that this variant may not impact protein structure and function. To our knowledge, functional studies have not been reported for this variant. This variant has not been reported in individuals affected with APC-related disorders in the literature. This variant has not been identified in the general population by the Genome Aggregation Database (gnomAD). The available evidence is insufficient to determine the role of this variant in disease conclusively. Therefore, this variant is classified as a Variant of Uncertain Significance.

NM_000038.6(APC):c.3559A>G (p.Ile1187Val)

Gene: APC (APC regulator of Wnt signaling pathway; plus strand). Cytogenetic location: 5q22.2.
Variant type: single nucleotide variant.
Coding change: c.3559A>G on transcript NM_000038.6 (MANE Select); coding-DNA position 3559, A replaced by G.
Protein change: p.Ile1187Val; replaces isoleucine 1187 with valine.
Molecular consequence: missense variant.
Genome position (GRCh38, 1-based): chr5:112,839,153, A>G. VCF-style: chr5-112839153-A-G. GRCh37 (hg19) VCF-style: chr5-112174850-A-G.
Other names: c.3559A>G, p.Ile1187Val (NM_001127510.3, NM_001354895.2); c.3505A>G, p.Ile1169Val (NM_001127511.3); c.3613A>G, p.Ile1205Val (NM_001354896.2); c.3589A>G, p.Ile1197Val (NM_001354897.2); c.3484A>G, p.Ile1162Val (NM_001354898.2); c.3475A>G, p.Ile1159Val (NM_001354899.2); c.3436A>G, p.Ile1146Val (NM_001354900.2); c.3382A>G, p.Ile1128Val (NM_001354901.2); and 5 more; short protein forms I1169V, I1187V, I1096V, I1027V, I1159V, I1061V, I1205V, I1086V.
Identifiers: ClinVar variation 469925 (VCV000469925.14), dbSNP rs1554085107, ClinGen allele CA16029153.